The following is an entry in ClinVar:

NM_000051.4(ATM):c.4397_4398delinsCG (p.Arg1466Pro)

Gene: ATM (ATM serine/threonine kinase; plus strand). Cytogenetic location: 11q22.3.
Variant type: Indel.
Coding change: c.4397_4398delinsCG on transcript NM_000051.4 (MANE Select); coding-DNA positions 4397 to 4398, GA replaced by CG.
Protein change: p.Arg1466Pro; replaces arginine 1466 with proline.
Molecular consequence: missense variant.
Genome position (GRCh38, 1-based): chr11:108,289,762-108,289,763, GA replaced by CG. VCF-style: chr11-108289762-GA-CG. GRCh37 (hg19) VCF-style: chr11-108160489-GA-CG.
Other names: NM_000051.4(ATM):c.4397_4398delinsCG; p.Arg1466Pro; c.4397_4398delinsCG, p.Arg1466Pro (NM_001351834.2); c.4397_4398delGAinsCG (NM_000051.3); short protein forms R1466P.
Identifiers: ClinVar variation 254753 (VCV000254753.22), dbSNP rs886038217, ClinGen allele CA10587105.

ClinVar aggregate classification (germline): Uncertain significance. Review status: reviewed by expert panel (3 of 4 stars). 7 submissions from 7 submitters: Uncertain significance (1). 6 of the submissions do not count toward it. Last evaluated 2025-06-19.

Conditions:
Hereditary cancer-predisposing syndrome. Also called: Neoplastic Syndromes, Hereditary; Hereditary neoplastic syndrome; Tumor predisposition; Hereditary Cancer Syndrome. Identifiers: Orphanet 140162, MedGen C0027672, MeSH D009386, MONDO:0015356.
ATM-related cancer predisposition. Also called: ATM-related cancer susceptibility. Identifiers: MedGen CN377759, MONDO:0700270.
Familial cancer of breast. Also called: hereditary breast carcinoma; Hereditary breast cancer; BREAST CANCER, FAMILIAL. Identifiers: Orphanet 227535, MedGen C0346153, MONDO:0016419, OMIM 114480. Disease mechanism: loss of function.
Ataxia-telangiectasia syndrome (AT). Also called: Ataxia telangiectasia (A-T); Cerebello-oculocutaneous telangiectasia; Immunodeficiency with ataxia telangiectasia; LOUIS-BAR SYNDROME; AT, COMPLEMENTATION GROUP C; ATAXIA-TELANGIECTASIA, FRESNO VARIANT. Identifiers: Orphanet 100, MedGen C0004135, MONDO:0008840, OMIM 208900.

Submissions (7):

ClinGen Hereditary Breast, Ovarian and Pancreatic Cancer Variant Curation Expert Panel, ClinGen
Classification: Uncertain significance for ATM-related cancer predisposition. Last evaluated: 2025-06-19. Review status: reviewed by expert panel. Criteria: ClinGen HBOP ACMG Specifications ATM V1.3.0. Collection method: curation. Allele origin: germline. Inheritance: Autosomal dominant inheritance.
Comment: The c.4397_4398delinsCG variant in ATM is an in-frame deletion of GA and insertion of CG at nucleotide positions 4397 to 4398, which is predicted to cause substitution of arginine by proline at amino acid 1466 (p.Arg1466Pro). This variant has been detected in at least three unrelated individuals with Ataxia-Telangiectasia (PMID: 26896183, Ambry internal data). The highest population minor allele frequency in gnomAD v4.1.0 is 0.00002230 (1/44844 alleles) in the East Asian population; while this is higher than the HBOP VCEP threshold (≤0.00001) for PM2_Supporting, it is present in only one allele, meeting this criterion. The computational predictor REVEL gives a score of 0.677, which is neither above nor below the thresholds predicting a damaging or benign impact on ATM function. In summary, this variant meets the criteria to be classified as a variant of uncertain significance for autosomal dominant ATM-related cancer predisposition and autosomal recessive Ataxia-Telangiectasia based on the ACMG/AMP criteria applied as specified by the HBOP VCEP. (PM3_Strong, PM2_Supporting)

Labcorp Genetics (formerly Invitae), Labcorp
Classification: Uncertain significance for Ataxia-telangiectasia syndrome. Last evaluated: 2025-12-15. Review status: criteria provided, single submitter. Criteria: Invitae Variant Classification Sherloc (09022015). Collection method: clinical testing. Allele origin: germline. Not counted in ClinVar's aggregate classification.
Comment: This sequence change replaces arginine, which is basic and polar, with proline, which is neutral and non-polar, at codon 1466 of the ATM protein (p.Arg1466Pro). Information on the frequency of this variant in the gnomAD database is not available, as this variant may be reported differently in the database. This missense change has been observed in individual(s) with ataxia-telangiectasia (PMID: 26896183). ClinVar contains an entry for this variant (Variation ID: 254753). An algorithm developed to predict the effect of missense changes on protein structure and function (PolyPhen-2) suggests that this variant is likely to be disruptive. In summary, the available evidence is currently insufficient to determine the role of this variant in disease. Therefore, it has been classified as a Variant of Uncertain Significance.

Ambry Genetics
Classification: Pathogenic for Hereditary cancer-predisposing syndrome. Last evaluated: 2024-04-08. Review status: criteria provided, single submitter. Criteria: Ambry Variant Classification Scheme 2023. Collection method: clinical testing. Allele origin: germline. Not counted in ClinVar's aggregate classification.
Comment: The c.4397_4398delGAinsCG pathogenic mutation (also known as p.R1466P), located in coding exon 28 of the ATM gene, results from an in-frame deletion of GA and insertion of CG at nucleotide positions 4397 to 4398. This results in the substitution of the arginine residue for a proline residue at codon 1466, an amino acid with dissimilar properties. In addition, an alteration resulting in the same protein change, c.4397G>C, has been identified in conjunction with a pathogenic ATM mutation in a cohort of individuals from the UK diagnosed with A-T (Jackson TJ et al. Dev Med Child Neurol. 2016 07;58:690-7). This alteration is located in the HEAT domain of the ATM protein and based on internal structural assessment, it is more disruptive than nearby known pathogenic variants (Drozdetskiy A et al. Nucleic Acids Res. 2015 Jul;43:W389-94; Perry J et al. Cell. 2003 Jan;112:151-5; Ambry internal data). This amino acid position is highly conserved in available vertebrate species. In addition, this alteration is predicted to be deleterious by in silico analysis and is considered to be rare based on population cohorts in the Genome Aggregation Database (gnomAD). Based on the supporting evidence, this alteration is interpreted as a disease-causing mutation.

Fulgent Genetics
Classification: Likely pathogenic for Familial cancer of breast; Ataxia-telangiectasia syndrome. Last evaluated: 2024-03-05. Review status: criteria provided, single submitter. Criteria: ACMG Guidelines, 2015. Collection method: clinical testing. Allele origin: germline. Not counted in ClinVar's aggregate classification.

Color Diagnostics, LLC DBA Color Health
Classification: Uncertain significance for Hereditary cancer-predisposing syndrome. Last evaluated: 2023-02-03. Review status: criteria provided, single submitter. Criteria: ACMG Guidelines, 2015. Collection method: clinical testing. Allele origin: germline. Not counted in ClinVar's aggregate classification.
Comment: This missense variant replaces arginine with proline at codon 1466 of the ATM protein. Computational prediction is inconclusive regarding the impact of this variant on protein structure and function (internally defined REVEL score threshold 0.5 < inconclusive < 0.7, PMID: 27666373). To our knowledge, functional studies have not been reported for this variant. This variant has been observed in the compound heterozygous state in an individual affected with autosomal recessive ataxia-telangiectasia (ClinVar SCV000581436.5), indicating that this variant contributes to disease. This variant has not been identified in the general population by the Genome Aggregation Database (gnomAD). The available evidence is insufficient to determine the role of this variant in disease conclusively. Therefore, this variant is classified as a Variant of Uncertain Significance.

GeneDx
Classification: Uncertain significance. Last evaluated: 2019-07-11. Review status: criteria provided, single submitter. Criteria: GeneDx Variant Classification Process June 2021. Collection method: clinical testing. Allele origin: germline. Affected: yes. Not counted in ClinVar's aggregate classification.
Comment: Not observed in large population cohorts (Lek 2016); In silico analysis, which includes protein predictors and evolutionary conservation, supports a deleterious effect; Has not been previously published as pathogenic or benign to our knowledge

PreventionGenetics, part of Exact Sciences
Classification: Uncertain significance. Review status: criteria provided, single submitter. Criteria: ACMG Guidelines, 2016. Collection method: clinical testing. Allele origin: germline. Not counted in ClinVar's aggregate classification.

Literature cited by the submitters: PubMed 26896183 (cited by Labcorp Genetics (formerly Invitae), Labcorp and Ambry Genetics); PubMed 12553904 (cited by Ambry Genetics); PubMed 25883141 (cited by Ambry Genetics).